The following is an entry in ClinVar:

ClinVar aggregate classification (germline): Likely pathogenic (1 of 4 stars; one submission).

Submission:

Mayo Clinic Laboratories, Mayo Clinic
Classification: Likely pathogenic. Last evaluated: 2023-12-13. Review status: criteria provided, single submitter. Criteria: ACMG Guidelines, 2015. Collection method: clinical testing. Allele origin: germline. Observed: 1 variant allele.
Comment: PM2_moderate, PVS1

NM_002887.4(RARS1):c.1283G>A (p.Trp428Ter)

Gene: RARS1 (arginyl-tRNA synthetase 1; plus strand). Cytogenetic location: 5q34.
Variant type: single nucleotide variant.
Coding change: c.1283G>A on transcript NM_002887.4 (MANE Select); coding-DNA position 1283, G replaced by A.
Protein change: p.Trp428Ter; replaces tryptophan 428 with a stop codon.
Molecular consequence: nonsense.
Genome position (GRCh38, 1-based): chr5:168,506,768, G>A. VCF-style: chr5-168506768-G-A. GRCh37 (hg19) VCF-style: chr5-167933773-G-A.
Other names: p.Trp428*; short protein forms W428*.
Identifiers: ClinVar variation 3380996 (VCV003380996.1).